The following is an entry in ClinVar:

ClinVar aggregate classification (germline): Likely benign. Review status: criteria provided, multiple submitters, no conflicts (2 of 4 stars). 3 submissions from 3 submitters: Likely benign (2). 1 of the submissions does not count toward it. Last evaluated 2025-07-09.

Conditions:
Developmental and epileptic encephalopathy, 12 (DEE12). Identifiers: MedGen C3150988, MONDO:0013389, OMIM 613722.
PLCB1-related disorder. Also called: PLCB1-related condition.

Allele frequency attached by ClinVar (database versions not stated): TOPMed 0.00001; gnomAD exomes 0.00002 and 0.00003; ExAC 0.00003; gnomAD 0.00003.
gnomAD v4.1: 30 of 1,613,082 alleles (0.0019%); highest among the groups gnomAD compares: Middle Eastern, 0.017%; no homozygotes.

Submissions (3):

Labcorp Genetics (formerly Invitae), Labcorp
Classification: Likely benign for Developmental and epileptic encephalopathy, 12. Last evaluated: 2025-07-09. Review status: criteria provided, single submitter. Criteria: Invitae Variant Classification Sherloc (09022015). Collection method: clinical testing. Allele origin: germline.

Blueprint Genetics
Classification: Likely benign. Last evaluated: 2024-01-08. Review status: criteria provided, single submitter. Criteria: ACMG Guidelines, 2015. Collection method: clinical testing. Allele origin: germline.

PreventionGenetics, part of Exact Sciences
Classification: Likely benign for PLCB1-related condition. Last evaluated: 2019-04-17. Review status: no assertion criteria provided. Collection method: clinical testing. Allele origin: germline. Not counted in ClinVar's aggregate classification.
Comment: This variant is classified as likely benign based on ACMG/AMP sequence variant interpretation guidelines (Richards et al. 2015 PMID: 25741868, with internal and published modifications).

NM_015192.4(PLCB1):c.54G>A (p.Val18=)

Gene: PLCB1 (phospholipase C beta 1; plus strand). Cytogenetic location: 20p12.3.
Variant type: single nucleotide variant.
Coding change: c.54G>A on transcript NM_015192.4 (MANE Select); coding-DNA position 54, G replaced by A.
Protein change: p.Val18=; no amino-acid change (valine 18 retained).
Molecular consequence: synonymous variant.
Genome position (GRCh38, 1-based): chr20:8,132,705, G>A. VCF-style: chr20-8132705-G-A. GRCh37 (hg19) VCF-style: chr20-8113352-G-A.
Other names: c.54G>A, p.Val18= (NM_182734.3).
Identifiers: ClinVar variation 699241 (VCV000699241.14), dbSNP rs762431785, ClinGen allele CA9759525.